The following is an entry in ClinVar:

ClinVar aggregate classification (germline): Uncertain significance (1 of 4 stars; one submission).

Allele frequency attached by ClinVar (database versions not stated): gnomAD exomes below 0.00001; ExAC 0.00001; TOPMed 0.00001; gnomAD 0.00003 and 0.00004.
gnomAD v4.1: 6 of 1,613,840 alleles (0.00037%); highest among the groups gnomAD compares: African/African-American, 0.0053%; no homozygotes.

Submission:

Labcorp Genetics (formerly Invitae), Labcorp
Classification: Uncertain significance. Last evaluated: 2025-12-09. Review status: criteria provided, single submitter. Criteria: Invitae Variant Classification Sherloc (09022015). Collection method: clinical testing. Allele origin: germline.
Comment: This sequence change replaces lysine, which is basic and polar, with glutamine, which is neutral and polar, at codon 3666 of the KMT2A protein (p.Lys3666Gln). This variant is present in population databases (rs782717207, gnomAD 0.007%). This variant has not been reported in the literature in individuals affected with KMT2A-related conditions. ClinVar contains an entry for this variant (Variation ID: 1374430). Invitae Evidence Modeling of protein sequence and biophysical properties (such as structural, functional, and spatial information, amino acid conservation, physicochemical variation, residue mobility, and thermodynamic stability) indicates that this missense variant is not expected to disrupt KMT2A protein function with a negative predictive value of 95%. In summary, the available evidence is currently insufficient to determine the role of this variant in disease. Therefore, it has been classified as a Variant of Uncertain Significance.

NM_001197104.2(KMT2A):c.10996A>C (p.Lys3666Gln)

Gene: KMT2A (lysine methyltransferase 2A; plus strand). Cytogenetic location: 11q23.3.
Variant type: single nucleotide variant.
Coding change: c.10996A>C on transcript NM_001197104.2 (MANE Select); coding-DNA position 10996, A replaced by C.
Protein change: p.Lys3666Gln; replaces lysine 3666 with glutamine.
Molecular consequence: missense variant.
Genome position (GRCh38, 1-based): chr11:118,510,043, A>C. VCF-style: chr11-118510043-A-C. GRCh37 (hg19) VCF-style: chr11-118380758-A-C.
Other names: c.10987A>C, p.Lys3663Gln (NM_005933.4); short protein forms K3666Q, K3663Q.
Identifiers: ClinVar variation 1374430 (VCV001374430.8), dbSNP rs782717207, ClinGen allele CA6304880.